The following is an entry in ClinVar:

NM_000322.5(PRPH2):c.612C>A (p.Tyr204Ter)

Gene: PRPH2 (peripherin 2; minus strand). Cytogenetic location: 6p21.1.
Variant type: single nucleotide variant.
Coding change: c.612C>A on transcript NM_000322.5 (MANE Select); coding-DNA position 612, C replaced by A.
Protein change: p.Tyr204Ter; replaces tyrosine 204 with a stop codon.
Molecular consequence: nonsense.
Genome position (GRCh38, 1-based): chr6:42,704,581, G>T on the plus strand (C>A on the coding strand, the complement: PRPH2 is on the minus strand). VCF-style: chr6-42704581-G-T. GRCh37 (hg19) VCF-style: chr6-42672319-G-T.
Other names: short protein forms Y204*.
Identifiers: ClinVar variation 973708 (VCV000973708.7), dbSNP rs1554269081, ClinGen allele CA364135723.

ClinVar aggregate classification (germline): Pathogenic. Review status: criteria provided, multiple submitters, no conflicts (2 of 4 stars). 4 submissions from 2 submitters: Pathogenic (4). Last evaluated 2025-03-17.

Conditions:
Stargardt disease (FFM). Also called: Stargardt's disease; Fundus flavimaculatus. Identifiers: Orphanet 827, MedGen C0271093, MONDO:0019353.
Vitelliform macular dystrophy 2. Also called: MACULAR DEGENERATION, POLYMORPHIC VITELLINE; VITELLIFORM MACULAR DYSTROPHY, EARLY-ONSET; VITELLIFORM MACULAR DYSTROPHY, JUVENILE-ONSET; Best vitelliform macular dystrophy, multifocal; Best Macular Dystrophy; Best Vitelliform Macular Dystrophy (BVMD). Identifiers: Orphanet 1243, MedGen C2745945, MONDO:0007931, OMIM 153700.
Patterned dystrophy of the retinal pigment epithelium (MDPT1). Identifiers: Orphanet 63454, MedGen C1868569, MONDO:0018973.
PRPH2-related disorder. Also called: PRPH2-related condition; PRPH2-related disorders. Identifiers: MedGen CN239395.

Submissions (4):

Labcorp Genetics (formerly Invitae), Labcorp
Classification: Pathogenic for PRPH2-related disorder. Last evaluated: 2025-03-17. Review status: criteria provided, single submitter. Criteria: Invitae Variant Classification Sherloc (09022015). Collection method: clinical testing. Allele origin: germline.
Comment: This sequence change creates a premature translational stop signal (p.Tyr204*) in the PRPH2 gene. It is expected to result in an absent or disrupted protein product. Loss-of-function variants in PRPH2 are known to be pathogenic (PMID: 8111389, 8485575, 8485576, 8675410, 16916875, 17504850, 22863181, 25675413, 26061163, 27365499, 29555955, 33546218). This variant is not present in population databases (gnomAD no frequency). This premature translational stop signal has been observed in individual(s) with PRPH2-related conditions (PMID: 32531846). ClinVar contains an entry for this variant (Variation ID: 973708). Algorithms developed to predict the effect of sequence changes on RNA splicing suggest that this variant may disrupt the consensus splice site. For these reasons, this variant has been classified as Pathogenic.

NEI Ophthalmic Genomics Laboratory, National Institutes of Health
Classification: Pathogenic for Patterned dystrophy of the retinal pigment epithelium. Last evaluated: 2020-01-07. Review status: criteria provided, single submitter. Criteria: ACMG Guidelines, 2015. Collection method: clinical testing. Allele origin: germline. Affected: yes.
Comment: The variant NM_000322.4:c.612C>A in the PRPH2 gene has not been reported to our knowledge. We found this variant in 4 patient(s) in a PRPH2 cohort study (Reeves et al. 2020). This variant is listed in dbSNP and/or HGMD (CM183758). It is absent in gnomAD browser. It is enriched in the PRPH2 disease cohort. We invoked ACMG criteria [PVS1, PS4, PM2] and classified NM_000322.4:c.612C>A in the PRPH2 gene as a Pathogenic mutation.

NEI Ophthalmic Genomics Laboratory, National Institutes of Health
Classification: Pathogenic for Vitelliform macular dystrophy 2. Last evaluated: 2020-01-07. Review status: criteria provided, single submitter. Criteria: ACMG Guidelines, 2015. Collection method: clinical testing. Allele origin: germline. Affected: yes.
Comment: the same text as in the submission from NEI Ophthalmic Genomics Laboratory, National Institutes of Health above.

NEI Ophthalmic Genomics Laboratory, National Institutes of Health
Classification: Pathogenic for Stargardt disease. Last evaluated: 2020-01-07. Review status: criteria provided, single submitter. Criteria: ACMG Guidelines, 2015. Collection method: clinical testing. Allele origin: germline. Affected: yes.
Comment: the same text as in the submission from NEI Ophthalmic Genomics Laboratory, National Institutes of Health above.

Literature cited by the submitters: PubMed 8111389 (cited by Labcorp Genetics (formerly Invitae), Labcorp); PubMed 8485575 (cited by Labcorp Genetics (formerly Invitae), Labcorp); PubMed 8485576 (cited by Labcorp Genetics (formerly Invitae), Labcorp); PubMed 8675410 (cited by Labcorp Genetics (formerly Invitae), Labcorp); PubMed 16916875 (cited by Labcorp Genetics (formerly Invitae), Labcorp); PubMed 17504850 (cited by Labcorp Genetics (formerly Invitae), Labcorp); PubMed 22863181 (cited by Labcorp Genetics (formerly Invitae), Labcorp); PubMed 25675413 (cited by Labcorp Genetics (formerly Invitae), Labcorp); PubMed 26061163 (cited by Labcorp Genetics (formerly Invitae), Labcorp); PubMed 27365499 (cited by Labcorp Genetics (formerly Invitae), Labcorp); PubMed 29555955 (cited by Labcorp Genetics (formerly Invitae), Labcorp); PubMed 33546218 (cited by Labcorp Genetics (formerly Invitae), Labcorp); PubMed 32531846 (cited by Labcorp Genetics (formerly Invitae), Labcorp).